The following is an entry in ClinVar:

ClinVar aggregate classification (germline): Conflicting classifications of pathogenicity. Review status: criteria provided, conflicting classifications (1 of 4 stars). 2 submissions from 2 submitters: Uncertain significance (1); Likely benign (1). Last evaluated 2023-07-17.

Conditions:
Inborn genetic diseases. Identifiers: MedGen C0950123, MeSH D030342.
Rauch-Steindl syndrome (RAUST). Identifiers: Orphanet 659642, MedGen C5562061, MONDO:0859219, OMIM 619695.

Allele frequency attached by ClinVar (database versions not stated): gnomAD exomes below 0.00001.
gnomAD v4.1: 3 of 1,613,990 alleles (0.00019%); highest among the groups gnomAD compares: South Asian, 0.0011%; no homozygotes.

Submissions (2):

Victorian Clinical Genetics Services, Murdoch Childrens Research Institute
Classification: Uncertain significance for Rauch-Steindl syndrome. Last evaluated: 2023-07-17. Review status: criteria provided, single submitter. Criteria: ACMG Guidelines, 2015. Collection method: clinical testing. Allele origin: germline. Inheritance: Autosomal dominant inheritance. Affected: yes.
Comment: Based on the classification scheme VCGS_Germline_v1.3.4, this variant is classified as VUS-3C. Following criteria are met: 0102 - Loss of function is a known mechanism of disease in this gene and is associated with Rauch-Steindl syndrome (MIM#619695). (I) 0107 - This gene is associated with autosomal dominant disease. (I) 0200 - Variant is predicted to result in a missense amino acid change from isoleucine to theronine. (I) 0251 - This variant is heterozygous. (I) 0301 - Variant is absent from gnomAD (both v2 and v3). (SP) 0504 - Same amino acid change has been observed in placental mammals. (SB) 0604 - Variant is not located in an established domain, motif, hotspot or informative constraint region. (I) 0705 - No comparable missense variants have previous evidence for pathogenicity. (I) 0807 - This variant has no previous evidence of pathogenicity. (I) 0905 - No published segregation evidence has been identified for this variant. (I) 1007 - No published functional evidence has been identified for this variant. (I) 1208 - Inheritance information for this variant is not currently available in this individual. (I) Legend: (SP) - Supporting pathogenic, (I) - Information, (SB) - Supporting benign

Ambry Genetics
Classification: Likely benign for Inborn genetic diseases. Last evaluated: 2023-03-07. Review status: criteria provided, single submitter. Criteria: Ambry Variant Classification Scheme 2023. Collection method: clinical testing. Allele origin: germline.

NM_001042424.3(NSD2):c.1253T>C (p.Ile418Thr)

Gene: NSD2 (nuclear receptor binding SET domain protein 2; plus strand). Cytogenetic location: 4p16.3.
Variant type: single nucleotide variant.
Coding change: c.1253T>C on transcript NM_001042424.3 (MANE Select); coding-DNA position 1253, T replaced by C.
Protein change: p.Ile418Thr; replaces isoleucine 418 with threonine.
Molecular consequence: missense variant.
Genome position (GRCh38, 1-based): chr4:1,918,466, T>C. VCF-style: chr4-1918466-T-C. GRCh37 (hg19) VCF-style: chr4-1920193-T-C.
Other names: c.1253T>C, p.Ile418Thr (NM_007331.2, NM_133330.3, NM_133331.3 and 2 more transcripts); short protein forms I418T.
Identifiers: ClinVar variation 2495192 (VCV002495192.3), dbSNP rs2474342362, ClinGen allele CA356007214.